The following is an entry in ClinVar:

NM_003482.4(KMT2D):c.6992T>C (p.Leu2331Pro)

Gene: KMT2D (lysine methyltransferase 2D; minus strand). Cytogenetic location: 12q13.12.
Variant type: single nucleotide variant.
Coding change: c.6992T>C on transcript NM_003482.4 (MANE Select); coding-DNA position 6992, T replaced by C.
Protein change: p.Leu2331Pro; replaces leucine 2331 with proline.
Molecular consequence: missense variant.
Genome position (GRCh38, 1-based): chr12:49,040,778, A>G on the plus strand (T>C on the coding strand, the complement: KMT2D is on the minus strand). VCF-style: chr12-49040778-A-G. GRCh37 (hg19) VCF-style: chr12-49434561-A-G.
Other names: short protein forms L2331P.
Identifiers: ClinVar variation 4975268 (VCV004975268.1).

ClinVar aggregate classification (germline): Uncertain significance (1 of 4 stars; one submission).

gnomAD v4.1: 2 of 1,613,582 alleles (0.00012%); highest among the groups gnomAD compares: Non-Finnish European, 0.00017%; no homozygotes.

Submission:

GeneDx
Classification: Uncertain significance. Last evaluated: 2026-01-22. Review status: criteria provided, single submitter. Criteria: GeneDx Variant Classification Process June 2021. Collection method: clinical testing. Allele origin: germline.
Comment: Not observed at significant frequency in large population cohorts (gnomAD); In silico analysis supports that this missense variant has a deleterious effect on protein structure/function; Has not been previously published as pathogenic or benign to our knowledge